The following is an entry in ClinVar:

ClinVar aggregate classification (germline): Uncertain significance (1 of 4 stars; one submission).

Submission:

Labcorp Genetics (formerly Invitae), Labcorp
Classification: Uncertain significance. Last evaluated: 2022-03-18. Review status: criteria provided, single submitter. Criteria: Invitae Variant Classification Sherloc (09022015). Collection method: clinical testing. Allele origin: germline.
Comment: In summary, the available evidence is currently insufficient to determine the role of this variant in disease. Therefore, it has been classified as a Variant of Uncertain Significance. Algorithms developed to predict the effect of missense changes on protein structure and function are either unavailable or do not agree on the potential impact of this missense change (SIFT: "Deleterious"; PolyPhen-2: "Probably Damaging"; Align-GVGD: "Class C0"). This variant has not been reported in the literature in individuals affected with LAMC3-related conditions. This variant is not present in population databases (gnomAD no frequency). This sequence change replaces glycine, which is neutral and non-polar, with glutamic acid, which is acidic and polar, at codon 802 of the LAMC3 protein (p.Gly802Glu).

NM_006059.4(LAMC3):c.2405G>A (p.Gly802Glu)

Gene: LAMC3 (laminin subunit gamma 3; plus strand). Cytogenetic location: 9q34.12.
Variant type: single nucleotide variant.
Coding change: c.2405G>A on transcript NM_006059.4 (MANE Select); coding-DNA position 2405, G replaced by A.
Protein change: p.Gly802Glu; replaces glycine 802 with glutamic acid.
Molecular consequence: missense variant.
Genome position (GRCh38, 1-based): chr9:131,067,017, G>A. VCF-style: chr9-131067017-G-A. GRCh37 (hg19) VCF-style: chr9-133942404-G-A.
Other names: short protein forms G802E.
Identifiers: ClinVar variation 1410233 (VCV001410233.4), dbSNP rs2133312225, ClinGen allele CA375253123.
Genomic context (GRCh38, chr9:131,067,017, plus strand): 5'-CAGGGCGGCGCTGTGAGGTCTGTGATGATGGCTTTTTTGGGGACCCGCTGGGGCTCTTTG[G>A]GCACCCCCAGCCCTGCCACCAGTGCCAGTGTAGCGGGAACGTGGACCCCAATGCCGTGGG-3'
Protein context (NP_006050.3, residues 792-812): GFFGDPLGLF[Gly802Glu]HPQPCHQCQC